The following is an entry in ClinVar:

NM_020366.4(RPGRIP1):c.3152A>C (p.Asp1051Ala)

Gene: RPGRIP1 (RPGR interacting protein 1; plus strand). Cytogenetic location: 14q11.2.
Variant type: single nucleotide variant.
Coding change: c.3152A>C on transcript NM_020366.4 (MANE Select); coding-DNA position 3152, A replaced by C.
Protein change: p.Asp1051Ala; replaces aspartic acid 1051 with alanine.
Molecular consequence: missense variant.
Genome position (GRCh38, 1-based): chr14:21,330,301, A>C. VCF-style: chr14-21330301-A-C. GRCh37 (hg19) VCF-style: chr14-21798460-A-C.
Other names: c.1130A>C, p.Asp377Ala (NM_001377523.1); c.2078A>C, p.Asp693Ala (NM_001377948.1); c.1238A>C, p.Asp413Ala (NM_001377949.1); c.1127A>C, p.Asp376Ala (NM_001377950.1); c.632A>C, p.Asp211Ala (NM_001377951.1); short protein forms D211A, D377A, D376A, D1051A, D413A, D693A.
Identifiers: ClinVar variation 1409280 (VCV001409280.6), dbSNP rs775193329, ClinGen allele CA388872187.

ClinVar aggregate classification (germline): Uncertain significance (1 of 4 stars; one submission).

Conditions:
Cone-rod dystrophy 13 (CORD13). Identifiers: Orphanet 1872, MedGen C2750720, MONDO:0011987, OMIM 608194.
Leber congenital amaurosis 6 (LCA6). Identifiers: Orphanet 65, MedGen C1854260, MONDO:0013446, OMIM 613826.

Allele frequency attached by ClinVar (database versions not stated): gnomAD exomes below 0.00001.

Submission:

Labcorp Genetics (formerly Invitae), Labcorp
Classification: Uncertain significance for Leber congenital amaurosis 6; Cone-rod dystrophy 13. Last evaluated: 2022-11-21. Review status: criteria provided, single submitter. Criteria: Invitae Variant Classification Sherloc (09022015). Collection method: clinical testing. Allele origin: germline.
Comment: In summary, the available evidence is currently insufficient to determine the role of this variant in disease. Therefore, it has been classified as a Variant of Uncertain Significance. Advanced modeling of protein sequence and biophysical properties (such as structural, functional, and spatial information, amino acid conservation, physicochemical variation, residue mobility, and thermodynamic stability) performed at Invitae indicates that this missense variant is not expected to disrupt RPGRIP1 protein function. ClinVar contains an entry for this variant (Variation ID: 1409280). This variant has not been reported in the literature in individuals affected with RPGRIP1-related conditions. This variant is not present in population databases (gnomAD no frequency). This sequence change replaces aspartic acid, which is acidic and polar, with alanine, which is neutral and non-polar, at codon 1051 of the RPGRIP1 protein (p.Asp1051Ala).